The following is an entry in ClinVar:

ClinVar aggregate classification (germline): Likely pathogenic. Review status: criteria provided, multiple submitters, no conflicts (2 of 4 stars). 2 submissions from 2 submitters: Likely pathogenic (2). Last evaluated 2024-12-30.

Conditions:
Dilated cardiomyopathy 1G (CMD1G). Identifiers: Orphanet 154, MedGen C1858763, MONDO:0011400, OMIM 604145.
Autosomal recessive limb-girdle muscular dystrophy type 2J (LGMDR10). Also called: Limb-girdle muscular dystrophy, type 2J; MUSCULAR DYSTROPHY, LIMB-GIRDLE, AUTOSOMAL RECESSIVE 10. Identifiers: Orphanet 140922, MedGen C1837342, MONDO:0012127, OMIM 608807.

Submissions (2):

Labcorp Genetics (formerly Invitae), Labcorp
Classification: Likely pathogenic for Dilated cardiomyopathy 1G; Autosomal recessive limb-girdle muscular dystrophy type 2J. Last evaluated: 2024-12-30. Review status: criteria provided, single submitter. Criteria: Invitae Variant Classification Sherloc (09022015). Collection method: clinical testing. Allele origin: germline.
Comment: This sequence change creates a premature translational stop signal (p.Ala28497Hisfs*11) in the TTN gene. While this is not anticipated to result in nonsense mediated decay, it is expected to create a truncated TTN protein. This variant is not present in population databases (gnomAD no frequency). This variant has not been reported in the literature in individuals affected with TTN-related conditions. ClinVar contains an entry for this variant (Variation ID: 1067437). This variant is located in the A band of TTN (PMID: 25589632). Truncating variants in this region are significantly overrepresented in patients affected with dilated cardiomyopathy (PMID: 25589632). Truncating variants in this region have also been reported in individuals affected with autosomal recessive centronuclear myopathy (PMID: 23975875). In summary, the currently available evidence indicates that the variant is pathogenic, but additional data are needed to prove that conclusively. Therefore, this variant has been classified as Likely Pathogenic.

KardioGenetik, Herz- und Diabeteszentrum NRW
Classification: Likely pathogenic for Dilated cardiomyopathy 1G. Last evaluated: 2024-05-14. Review status: criteria provided, single submitter. Criteria: ACMG Guidelines, 2015. Collection method: clinical testing. Allele origin: unknown. Affected: yes. Observed: 1 variant allele.
Comment: PVS1, PM2

Literature cited by the submitters: PubMed 25589632 (cited by Labcorp Genetics (formerly Invitae), Labcorp); PubMed 23975875 (cited by Labcorp Genetics (formerly Invitae), Labcorp).

NM_001267550.2(TTN):c.85486del (p.Ala28497fs)

Genes: TTN-AS1 (TTN antisense RNA 1; plus strand), TTN (titin; minus strand). Cytogenetic location: 2q31.2.
Variant type: Deletion.
Coding change: c.85486del on transcript NM_001267550.2 (MANE Select); coding-DNA position 85486, one base deleted (C; older notation c.85486delC).
Protein change: p.Ala28497fs; shifts the reading frame from alanine 28497.
Molecular consequence: frameshift variant.
Genome position (GRCh38, 1-based): chr2:178,560,646, G deleted on the plus strand (C on the coding strand, the reverse complement: TTN is on the minus strand); the first of 2 consecutive G bases (chr2:178,560,646-178,560,647); deleting either gives the same sequence. VCF-style (leftmost placement, unchanged base first): chr2-178560645-AG-A. GRCh37 (hg19) VCF-style: chr2-179425372-AG-A.
Other names: c.80563del, p.Ala26856fs (NM_001256850.1); c.58291del, p.Ala19432fs (NM_003319.4); c.77782del, p.Ala25929fs (NM_133378.4); c.58666del, p.Ala19557fs (NM_133432.3); c.58867del, p.Ala19624fs (NM_133437.4); short protein forms A19432fs, A19557fs, A19624fs, A25929fs, A26856fs, A28497fs.
Identifiers: ClinVar variation 1067437 (VCV001067437.12), dbSNP rs2154158948, ClinGen allele CA2499215340.